The following is an entry in ClinVar:

ClinVar aggregate classification (germline): Uncertain significance (1 of 4 stars; one submission).

Submission:

GeneDx
Classification: Uncertain significance. Last evaluated: 2024-11-26. Review status: criteria provided, single submitter. Criteria: GeneDx Variant Classification Process June 2021. Collection method: clinical testing. Allele origin: germline. Affected: yes.
Comment: Not observed at significant frequency in large population cohorts (gnomAD); In silico analysis supports that this missense variant has a deleterious effect on protein structure/function; Has not been previously published as pathogenic or benign to our knowledge

NM_001349798.2(FBXW7):c.2015T>G (p.Val672Gly)

Gene: FBXW7 (F-box and WD repeat domain containing 7; minus strand). Cytogenetic location: 4q31.3.
Variant type: single nucleotide variant.
Coding change: c.2015T>G on transcript NM_001349798.2 (MANE Select); coding-DNA position 2015, T replaced by G.
Protein change: p.Val672Gly; replaces valine 672 with glycine.
Molecular consequence: missense variant.
Genome position (GRCh38, 1-based): chr4:152,322,990, A>C on the plus strand (T>G on the coding strand, the complement: FBXW7 is on the minus strand). VCF-style: chr4-152322990-A-C. GRCh37 (hg19) VCF-style: chr4-153244142-A-C.
Other names: c.1661T>G, p.Val554Gly (NM_001013415.2); c.1775T>G, p.Val592Gly (NM_018315.5); c.2015T>G, p.Val672Gly (NM_033632.3); short protein forms V554G, V592G, V672G.
Identifiers: ClinVar variation 3901553 (VCV003901553.1).